The following is an entry in ClinVar:

NM_000202.8(IDS):c.172del (p.Leu58fs)

Gene: IDS (iduronate 2-sulfatase; minus strand). Cytogenetic location: Xq28.
Variant type: Deletion.
Coding change: c.172del on transcript NM_000202.8 (MANE Select); coding-DNA position 172, one base deleted (C; older notation c.172delC).
Protein change: p.Leu58fs; shifts the reading frame from leucine 58.
Molecular consequence: frameshift variant. On other transcripts: 5 prime UTR variant (1), non-coding transcript variant (1).
Genome position (GRCh38, 1-based): chrX:149,504,225, G deleted on the plus strand (C on the coding strand, the reverse complement: IDS is on the minus strand). VCF-style (leftmost placement, unchanged base first): chrX-149504224-AG-A. GRCh37 (hg19) VCF-style: chrX-148585754-AG-A.
Other names: c.-55del (NM_001166550.4); c.172del, p.Leu58fs (NM_006123.5); short protein forms L58fs.
Identifiers: ClinVar variation 2023946 (VCV002023946.4), dbSNP rs2520901458, ClinGen allele CA2580101711.

ClinVar aggregate classification (germline): Pathogenic (1 of 4 stars; one submission).

Conditions:
Mucopolysaccharidosis, MPS-II (MPS2). Also called: Hunter Syndrome; IDS deficiency; Sulfoiduronate sulfatase deficiency; SIDS deficiency; Mucopolysaccharidosis type 2; IDURONATE 2-SULFATASE DEFICIENCY. Identifiers: Orphanet 580, Orphanet 79388, MedGen C0026705, MONDO:0010674, OMIM 309900.

Submission:

Labcorp Genetics (formerly Invitae), Labcorp
Classification: Pathogenic for Mucopolysaccharidosis, MPS-II. Last evaluated: 2022-08-13. Review status: criteria provided, single submitter. Criteria: Invitae Variant Classification Sherloc (09022015). Collection method: clinical testing. Allele origin: germline.
Comment: For these reasons, this variant has been classified as Pathogenic. This variant has not been reported in the literature in individuals affected with IDS-related conditions. This variant is not present in population databases (gnomAD no frequency). This sequence change creates a premature translational stop signal (p.Leu58Trpfs*2) in the IDS gene. It is expected to result in an absent or disrupted protein product. Loss-of-function variants in IDS are known to be pathogenic (PMID: 8940265, 9875019).

Literature cited by the submitters: PubMed 8940265; PubMed 9875019.